The following is an entry in ClinVar:

ClinVar aggregate classification (germline): Conflicting classifications of pathogenicity. Review status: criteria provided, conflicting classifications (1 of 4 stars). 7 submissions from 7 submitters: Uncertain significance (1); Benign (1); Likely benign (3). 2 of the submissions do not count toward it. Last evaluated 2026-01-28.

Conditions:
PCNT-related disorder. Also called: PCNT-related condition.

Allele frequency attached by ClinVar (database versions not stated): TOPMed 0.00077; 1000 Genomes Project 30x 0.00078; ESP Exome Variant Server 0.00092; 1000 Genomes Project 0.00100.
gnomAD v4.1: 1,897 of 1,613,850 alleles (0.12%); highest among the groups gnomAD compares: South Asian, 0.24%; 6 homozygotes.

Submissions (7):

Labcorp Genetics (formerly Invitae), Labcorp
Classification: Benign. Last evaluated: 2026-01-28. Review status: criteria provided, single submitter. Criteria: Invitae Variant Classification Sherloc (09022015). Collection method: clinical testing. Allele origin: germline.

CeGaT Center for Human Genetics Tuebingen
Classification: Likely benign. Last evaluated: 2026-01-01. Review status: criteria provided, single submitter. Criteria: CeGaT Center For Human Genetics Tuebingen Variant Classification Criteria Version 2. Collection method: clinical testing. Allele origin: germline. Affected: yes. Observed: 1 variant allele.
Comment: PCNT: BP4, BP7

Blueprint Genetics
Classification: Likely benign. Last evaluated: 2024-11-14. Review status: criteria provided, single submitter. Criteria: ACMG Guidelines, 2015. Collection method: clinical testing. Allele origin: germline.

GeneDx
Classification: Likely benign. Last evaluated: 2021-05-17. Review status: criteria provided, single submitter. Criteria: GeneDx Variant Classification Process June 2021. Collection method: clinical testing. Allele origin: germline. Affected: yes.

Eurofins Ntd Llc (ga)
Classification: Uncertain significance. Last evaluated: 2016-09-01. Review status: criteria provided, single submitter. Criteria: EGL Classification Definitions 2015. Collection method: clinical testing. Allele origin: germline. Observed: 2 variant alleles, 2 heterozygotes.

PreventionGenetics, part of Exact Sciences
Classification: Likely benign for PCNT-related condition. Last evaluated: 2021-07-01. Review status: no assertion criteria provided. Collection method: clinical testing. Allele origin: germline. Not counted in ClinVar's aggregate classification.
Comment: This variant is classified as likely benign based on ACMG/AMP sequence variant interpretation guidelines (Richards et al. 2015 PMID: 25741868, with internal and published modifications).

Genetic Services Laboratory, University of Chicago
Classification: Likely benign. Review status: no assertion criteria provided. Collection method: clinical testing. Allele origin: germline. Inheritance: Autosomal recessive inheritance. Not counted in ClinVar's aggregate classification.
Comment: Likely benign based on allele frequency in 1000 Genomes Project or ESP global frequency and its presence in a patient with a rare or unrelated disease phenotype. NOT Sanger confirmed

NM_006031.6(PCNT):c.8889G>A (p.Ser2963=)

Gene: PCNT (pericentrin; plus strand). Cytogenetic location: 21q22.3.
Variant type: single nucleotide variant.
Coding change: c.8889G>A on transcript NM_006031.6 (MANE Select); coding-DNA position 8889, G replaced by A.
Protein change: p.Ser2963=; no amino-acid change (serine 2963 retained).
Molecular consequence: synonymous variant.
Genome position (GRCh38, 1-based): chr21:46,436,041, G>A. VCF-style: chr21-46436041-G-A. GRCh37 (hg19) VCF-style: chr21-47855954-G-A.
Other names: c.8298G>A, p.Ser2766= (NM_001315529.2).
Identifiers: ClinVar variation 159679 (VCV000159679.29), dbSNP rs151325202, ClinGen allele CA173131.
Genomic context (GRCh38, chr21:46,436,041, plus strand): 5'-GAAGGACGAGGTGCCTGGCAGCCGCCTCCACCTAGGTTCTGCCCGCAGGGCTGCCGGCTC[G>A]GATGCGGACCACCTCCGGGAACAGCAGCGAGAGCTGGAGGCGATGAGGCAGCGGCTGCTC-3'
Protein context (NP_006022.3, residues 2953-2973): HLGSARRAAG[Ser2963=]DADHLREQQR